The following is an entry in ClinVar:

NM_014780.5(CUL7):c.973C>T (p.Arg325Trp)

Gene: CUL7 (cullin 7; minus strand). Cytogenetic location: 6p21.1.
Variant type: single nucleotide variant.
Coding change: c.973C>T on transcript NM_014780.5 (MANE Select); coding-DNA position 973, C replaced by T.
Protein change: p.Arg325Trp; replaces arginine 325 with tryptophan.
Molecular consequence: missense variant.
Genome position (GRCh38, 1-based): chr6:43,051,228, G>A on the plus strand (C>T on the coding strand, the complement: CUL7 is on the minus strand). VCF-style: chr6-43051228-G-A. GRCh37 (hg19) VCF-style: chr6-43018966-G-A.
Other names: c.1069C>T, p.Arg357Trp (NM_001168370.2, NM_001374872.1); c.973C>T, p.Arg325Trp (NM_001374873.1, NM_001374874.1); c.973C>T (NM_014780.4); short protein forms R325W, R357W.
Identifiers: ClinVar variation 2656573 (VCV002656573.25), dbSNP rs1206663294, ClinGen allele CA364227692.

ClinVar aggregate classification (germline): Uncertain significance. Review status: criteria provided, multiple submitters, no conflicts (2 of 4 stars). 2 submissions from 2 submitters: Uncertain significance (2). Last evaluated 2023-10-25.

Conditions:
Inborn genetic diseases. Identifiers: MedGen C0950123, MeSH D030342.

Allele frequency attached by ClinVar (database versions not stated): TOPMed below 0.00001.
gnomAD v4.1: 7 of 1,614,104 alleles (0.00043%); highest among the groups gnomAD compares: Middle Eastern, 0.016%; no homozygotes.

Submissions (2):

Ambry Genetics
Classification: Uncertain significance for Inborn genetic diseases. Last evaluated: 2023-10-25. Review status: criteria provided, single submitter. Criteria: Ambry Variant Classification Scheme 2023. Collection method: clinical testing. Allele origin: germline.

CeGaT Center for Human Genetics Tuebingen
Classification: Uncertain significance. Last evaluated: 2022-09-01. Review status: criteria provided, single submitter. Criteria: CeGaT Center For Human Genetics Tuebingen Variant Classification Criteria Version 2. Collection method: clinical testing. Allele origin: germline. Affected: yes. Observed: 1 variant allele.
Comment: CUL7: PM2, BP4